The following is an entry in ClinVar:

ClinVar aggregate classification (germline): Uncertain significance. Review status: criteria provided, multiple submitters, no conflicts (2 of 4 stars). 2 submissions from 2 submitters: Uncertain significance (2). Last evaluated 2024-11-09.

Allele frequency attached by ClinVar (database versions not stated): TOPMed below 0.00001; gnomAD 0.00001 and 0.00002; gnomAD exomes 0.00008; ExAC 0.00009.
gnomAD v4.1: 73 of 1,613,686 alleles (0.0045%); highest among the groups gnomAD compares: South Asian, 0.041%; no homozygotes.

Submissions (2):

Ambry Genetics
Classification: Uncertain significance. Last evaluated: 2024-11-09. Review status: criteria provided, single submitter. Criteria: Ambry Variant Classification Scheme 2023. Collection method: clinical testing. Allele origin: germline.

CeGaT Center for Human Genetics Tuebingen
Classification: Uncertain significance. Last evaluated: 2022-04-01. Review status: criteria provided, single submitter. Criteria: CeGaT Center For Human Genetics Tuebingen Variant Classification Criteria Version 2. Collection method: clinical testing. Allele origin: germline. Affected: yes. Observed: 1 variant allele.
Comment: NEIL3: PM2, PM3:Supporting, BP4

NM_018248.3(NEIL3):c.1484A>G (p.Asp495Gly)

Genes: NEIL3 (nei like DNA glycosylase 3; plus strand), NEIL3-AS1 (NEIL3 antisense RNA 1; minus strand). Cytogenetic location: 4q34.3.
Variant type: single nucleotide variant.
Coding change: c.1484A>G on transcript NM_018248.3 (MANE Select); coding-DNA position 1484, A replaced by G.
Protein change: p.Asp495Gly; replaces aspartic acid 495 with glycine.
Molecular consequence: missense variant.
Genome position (GRCh38, 1-based): chr4:177,360,526, A>G. VCF-style: chr4-177360526-A-G. GRCh37 (hg19) VCF-style: chr4-178281680-A-G.
Other names: c.1484A>G (NM_018248.2); short protein forms D495G.
Identifiers: ClinVar variation 1695117 (VCV001695117.32), dbSNP rs746254453, ClinGen allele CA3146576.